The following is an entry in ClinVar:

ClinVar aggregate classification (germline): Conflicting classifications of pathogenicity. Review status: criteria provided, conflicting classifications (1 of 4 stars). 2 submissions from 2 submitters: Uncertain significance (1); Likely benign (1). Last evaluated 2025-09-17.

Conditions:
Adams-Oliver syndrome 5 (AOS5). Identifiers: Orphanet 974, MedGen C4014970, MONDO:0014459, OMIM 616028.
Familial thoracic aortic aneurysm and aortic dissection (TAAD). Also called: Thoracic aortic aneurysms and dissections. Identifiers: Orphanet 91387, MedGen C4707243, MONDO:0019625.

Allele frequency attached by ClinVar (database versions not stated): gnomAD exomes below 0.00001 and 0.00001.
gnomAD v4.1: 4 of 1,551,880 alleles (0.00026%); highest among the groups gnomAD compares: Non-Finnish European, 0.00035%; no homozygotes.

Submissions (2):

Ambry Genetics
Classification: Uncertain significance for Familial thoracic aortic aneurysm and aortic dissection. Last evaluated: 2025-09-17. Review status: criteria provided, single submitter. Criteria: Ambry Variant Classification Scheme 2023. Collection method: clinical testing. Allele origin: germline.
Comment: The p.A1640V variant (also known as c.4919C>T), located in coding exon 26 of the NOTCH1 gene, results from a C to T substitution at nucleotide position 4919. The alanine at codon 1640 is replaced by valine, an amino acid with similar properties. This amino acid position is conserved. In addition, this alteration is predicted to be tolerated by in silico analysis. Based on the available evidence, the clinical significance of this variant remains unclear.

Labcorp Genetics (formerly Invitae), Labcorp
Classification: Likely benign for Adams-Oliver syndrome 5. Last evaluated: 2022-08-09. Review status: criteria provided, single submitter. Criteria: Invitae Variant Classification Sherloc (09022015). Collection method: clinical testing. Allele origin: germline.

NM_017617.5(NOTCH1):c.4919C>T (p.Ala1640Val)

Gene: NOTCH1 (notch receptor 1; minus strand). Cytogenetic location: 9q34.3.
Variant type: single nucleotide variant.
Coding change: c.4919C>T on transcript NM_017617.5 (MANE Select); coding-DNA position 4919, C replaced by T.
Protein change: p.Ala1640Val; replaces alanine 1640 with valine.
Molecular consequence: missense variant.
Genome position (GRCh38, 1-based): chr9:136,504,772, G>A on the plus strand (C>T on the coding strand, the complement: NOTCH1 is on the minus strand). VCF-style: chr9-136504772-G-A. GRCh37 (hg19) VCF-style: chr9-139399224-G-A.
Other names: c.4919C>T (NM_017617.3); short protein forms A1640V.
Identifiers: ClinVar variation 1371462 (VCV001371462.9), dbSNP rs1183355532, ClinGen allele CA375644366.